The following is an entry in ClinVar:

NM_001080512.3(BICC1):c.1002C>T (p.Leu334=)

Gene: BICC1 (BicC family RNA binding protein 1; plus strand). Cytogenetic location: 10q21.1.
Variant type: single nucleotide variant.
Coding change: c.1002C>T on transcript NM_001080512.3 (MANE Select); coding-DNA position 1002, C replaced by T.
Protein change: p.Leu334=; no amino-acid change (leucine 334 retained).
Molecular consequence: synonymous variant.
Genome position (GRCh38, 1-based): chr10:58,789,888, C>T. VCF-style: chr10-58789888-C-T. GRCh37 (hg19) VCF-style: chr10-60549648-C-T.
Identifiers: ClinVar variation 4874136 (VCV004874136.2).
Genomic context (GRCh38, chr10:58,789,888, plus strand): 5'-AGGTGCTCAGATCCACTTTCCTGATCCCAGTAATCCACAAAAGAAATCTACCGTCTACCT[C>T]CAGGGCACCATTGAGTCTGTCTGTCTTGCAAGGCAATATCTCATGGTAAGGTTACTGAAA-3'
Protein context (NP_001073981.1, residues 324-344): SNPQKKSTVY[Leu334=]QGTIESVCLA

ClinVar aggregate classification (germline): Likely benign (1 of 4 stars; one submission).

gnomAD v4.1: 2 of 1,614,138 alleles (0.00012%); highest among the groups gnomAD compares: Non-Finnish European, 0.00017%; no homozygotes.

Submission:

CeGaT Center for Human Genetics Tuebingen
Classification: Likely benign. Last evaluated: 2026-04-01. Review status: criteria provided, single submitter. Criteria: CeGaT Center For Human Genetics Tuebingen Variant Classification Criteria Version 2. Collection method: clinical testing. Allele origin: germline. Affected: yes. Observed: 1 variant allele.
Comment: BICC1: BP4